The following is an entry in ClinVar:

ClinVar aggregate classification (germline): Uncertain significance (1 of 4 stars; one submission).

Conditions:
Cardiomyopathy (CMYO). Also called: Cardiomyopathies. Identifiers: Orphanet 167848, MedGen C0878544, MONDO:0004994, HP:0001638. Inheritance: Various modes of inheritance.

gnomAD v4.1: 3 of 1,609,284 alleles (0.00019%); highest among the groups gnomAD compares: African/African-American, 0.004%; no homozygotes.

Submission:

Color Diagnostics, LLC DBA Color Health
Classification: Uncertain significance for Cardiomyopathy. Last evaluated: 2022-06-29. Review status: criteria provided, single submitter. Criteria: ACMG Guidelines, 2015. Collection method: clinical testing. Allele origin: germline.
Comment: This missense variant replaces lysine with threonine at codon 99 of the TMEM43 protein. Computational prediction suggests that this variant may not impact protein structure and function (internally defined REVEL score threshold <= 0.5, PMID: 27666373). To our knowledge, functional studies have not been reported for this variant. This variant has not been reported in individuals affected with cardiovascular disorders in the literature. This variant has been identified in 1/31370 chromosomes in the general population by the Genome Aggregation Database (gnomAD). The available evidence is insufficient to determine the role of this variant in disease conclusively. Therefore, this variant is classified as a Variant of Uncertain Significance.

NM_024334.3(TMEM43):c.296A>C (p.Lys99Thr)

Gene: TMEM43 (transmembrane protein 43; plus strand). Cytogenetic location: 3p25.1.
Variant type: single nucleotide variant.
Coding change: c.296A>C on transcript NM_024334.3 (MANE Select); coding-DNA position 296, A replaced by C.
Protein change: p.Lys99Thr; replaces lysine 99 with threonine.
Molecular consequence: missense variant.
Genome position (GRCh38, 1-based): chr3:14,130,955, A>C. VCF-style: chr3-14130955-A-C. GRCh37 (hg19) VCF-style: chr3-14172455-A-C.
Other names: c.296A>C, p.Lys99Thr (NM_001407274.1, NM_001407275.1, NM_001407276.1 and 2 more transcripts); c.281A>C, p.Lys94Thr (NM_001407278.1); c.146A>C, p.Lys49Thr (NM_001407280.1); short protein forms K99T, K49T, K94T.
Identifiers: ClinVar variation 2774592 (VCV002774592.2), dbSNP rs199943048, ClinGen allele CA351534739.